The following is an entry in ClinVar:

NM_000322.5(PRPH2):c.646_649delinsGG (p.Pro216fs)

Gene: PRPH2 (peripherin 2; minus strand). Cytogenetic location: 6p21.1.
Variant type: Indel.
Coding change: c.646_649delinsGG on transcript NM_000322.5 (MANE Select); coding-DNA positions 646 to 649, CCTA replaced by GG.
Protein change: p.Pro216fs; shifts the reading frame from proline 216.
Molecular consequence: frameshift variant.
Genome position (GRCh38, 1-based): chr6:42,704,544-42,704,547, TAGG replaced by CC on the plus strand (CCTA replaced by GG on the coding strand, the reverse complement: PRPH2 is on the minus strand). VCF-style: chr6-42704544-TAGG-CC. GRCh37 (hg19) VCF-style: chr6-42672282-TAGG-CC.
Other names: short protein forms P216fs.
Identifiers: ClinVar variation 971988 (VCV000971988.10), dbSNP rs1800115494, ClinGen allele CA1139659519.

ClinVar aggregate classification (germline): Pathogenic/Likely pathogenic. Review status: criteria provided, multiple submitters, no conflicts (2 of 4 stars). 5 submissions from 5 submitters: Pathogenic (2); Likely pathogenic (1). 2 of the submissions do not count toward it. Last evaluated 2026-01-21.

Conditions:
Retinal dystrophy. Also called: Inherited retinal dystrophy. Identifiers: Orphanet 71862, MedGen C0854723, MeSH D058499, MONDO:0019118, HP:0000556.
PRPH2-related disorder. Also called: PRPH2-related condition; PRPH2-related disorders. Identifiers: MedGen CN239395.
Retinitis pigmentosa (RP). Identifiers: Orphanet 791, MedGen C0035334, MeSH D012174, MONDO:0019200, OMIM 268000. Inheritance: Autosomal dominant, autosomal recessive and X linked inheritance.

Submissions (5):

Labcorp Genetics (formerly Invitae), Labcorp
Classification: Pathogenic for PRPH2-related disorder. Last evaluated: 2026-01-21. Review status: criteria provided, single submitter. Criteria: Invitae Variant Classification Sherloc (09022015). Collection method: clinical testing. Allele origin: germline.
Comment: This sequence change creates a premature translational stop signal (p.Pro216Glyfs*84) in the PRPH2 gene. While this is not anticipated to result in nonsense mediated decay, it is expected to disrupt the last 131 amino acid(s) of the PRPH2 protein. Information on the frequency of this variant in the gnomAD database is not available, as this variant may be reported differently in the database. This premature translational stop signal has been observed in individuals with clinical features of inherited retinal dystrophy (PMID: 32531846; internal data). This variant disrupts a region of the PRPH2 protein in which other variant(s) (p.Leu307Argfs*17) have been determined to be pathogenic (PMID: 8019570, 22183351, 24265693). This suggests that this is a clinically significant region of the protein, and that variants that disrupt it are likely to be disease-causing. For these reasons, this variant has been classified as Pathogenic.

Blueprint Genetics
Classification: Pathogenic for PRPH2-related disorders. Last evaluated: 2024-08-16. Review status: criteria provided, single submitter. Criteria: ACMG Guidelines, 2015. Collection method: clinical testing. Allele origin: germline. Affected: yes. Observed: 3 variant alleles.

NEI Ophthalmic Genomics Laboratory, National Institutes of Health
Classification: Likely pathogenic for Retinitis pigmentosa. Last evaluated: 2020-01-07. Review status: criteria provided, single submitter. Criteria: ACMG Guidelines, 2015. Collection method: clinical testing. Allele origin: germline. Affected: yes.
Comment: The variant NM_000322.4:c.646_649delinsGG in the PRPH2 gene has not been reported to our knowledge . This variant is not listed in dbSNP and/or HGMD. It is absent in gnomAD browser. It is not enriched in the PRPH2 disease cohort. We invoked ACMG criteria [PVS1, PM2] and classified NM_000322.4:c.646_649delinsGG in the PRPH2 gene as a Likely Pathogenic mutation.

Leiden Open Variation Database
Classification: Pathogenic. Last evaluated: 2021-04-06. Review status: no assertion criteria provided. Collection method: curation. Allele origin: germline. Affected: yes. Not counted in ClinVar's aggregate classification.
Comment: Curator: Global Variome, with Curator vacancy. Submitter to LOVD: Manon Peeters.

Institute of Human Genetics, Univ. Regensburg, Univ. Regensburg
Classification: Pathogenic for Retinal dystrophy. Last evaluated: 2021-01-01. Review status: no assertion criteria provided. Criteria: ACMG Guidelines, 2015. Collection method: clinical testing. Allele origin: germline. Affected: yes. Not counted in ClinVar's aggregate classification.

Literature cited by the submitters: PubMed 32531846 (cited by Labcorp Genetics (formerly Invitae), Labcorp and Leiden Open Variation Database); PubMed 8019570 (cited by Labcorp Genetics (formerly Invitae), Labcorp); PubMed 22183351 (cited by Labcorp Genetics (formerly Invitae), Labcorp); PubMed 24265693 (cited by Labcorp Genetics (formerly Invitae), Labcorp).